The following is an entry in ClinVar:

NC_000006.12:g.129059783GA[1]

Gene: LAMA2 (laminin subunit alpha 2; plus strand). Cytogenetic location: 6q22.33.
Variant type: Microsatellite.
Genome position: GRCh38 VCF-style: chr6-129059781-TAGAG-T. GRCh37 (hg19) VCF-style: chr6-129380926-TAGAG-T.
Identifiers: ClinVar variation 2734942 (VCV002734942.3), dbSNP rs2482279719, ClinGen allele CA2695206966.

ClinVar aggregate classification (germline): Pathogenic (1 of 4 stars; one submission).

Conditions:
LAMA2-related muscular dystrophy (LAMA2-RD). Also called: Laminin alpha 2-related dystrophy. Identifiers: MedGen C5679788, MONDO:0100228.

Submission:

Labcorp Genetics (formerly Invitae), Labcorp
Classification: Pathogenic for LAMA2-related muscular dystrophy. Last evaluated: 2022-12-02. Review status: criteria provided, single submitter. Criteria: Invitae Variant Classification Sherloc (09022015). Collection method: clinical testing. Allele origin: germline.
Comment: This premature translational stop signal has been observed in individual(s) with clinical features of LAMA2-related conditions (PMID: 28688748, 30945278). This variant is not present in population databases (gnomAD no frequency). This sequence change creates a premature translational stop signal (p.Gln95Hisfs*29) in the LAMA2 gene. It is expected to result in an absent or disrupted protein product. Loss-of-function variants in LAMA2 are known to be pathogenic (PMID: 18700894, 32904964). This variant is also known as c.284-2(IVS2)_c.285(exon3)delAGAG (p.Q95Qfs*9). For these reasons, this variant has been classified as Pathogenic. Algorithms developed to predict the effect of sequence changes on RNA splicing suggest that this variant may disrupt the consensus splice site.

Literature cited by the submitters: PubMed 28688748; PubMed 30945278; PubMed 18700894; PubMed 32904964.